The following is an entry in ClinVar:

NM_006231.4(POLE):c.2026+18G>A

Gene: POLE (DNA polymerase epsilon, catalytic subunit; minus strand). Cytogenetic location: 12q24.33.
Variant type: single nucleotide variant.
Coding change: c.2026+18G>A on transcript NM_006231.4 (MANE Select); 18 bases into the intron after coding-DNA position 2026, G replaced by A.
Molecular consequence: intron variant.
Genome position (GRCh38, 1-based): chr12:132,668,617, C>T on the plus strand (G>A on the coding strand, the complement: POLE is on the minus strand). VCF-style: chr12-132668617-C-T. GRCh37 (hg19) VCF-style: chr12-133245203-C-T.
Identifiers: ClinVar variation 1511085 (VCV001511085.6), dbSNP rs377065635, ClinGen allele CA6893728.
Genomic context (GRCh38, chr12:132,668,617, plus strand): 5'-CCCACCAAGTGGAGAAAGGCGGCCGACACTCACCCACCCGTTTCCCACCGAGTGCCCACC[C>T]AGGCGGCCGACACTCACTGAACTCGCCCCTCCACTGCCAGGCCATCTTCCGCTGGCAGTT-3'

ClinVar aggregate classification (germline): Uncertain significance (1 of 4 stars; one submission).

Allele frequency attached by ClinVar (database versions not stated): gnomAD exomes below 0.00001; TOPMed below 0.00001; ExAC 0.00002; ESP Exome Variant Server 0.00008.
gnomAD v4.1: 30 of 1,603,160 alleles (0.0019%); highest among the groups gnomAD compares: Non-Finnish European, 0.0024%; no homozygotes.

Submission:

Labcorp Genetics (formerly Invitae), Labcorp
Classification: Uncertain significance. Last evaluated: 2026-01-19. Review status: criteria provided, single submitter. Criteria: Invitae Variant Classification Sherloc (09022015). Collection method: clinical testing. Allele origin: germline.
Comment: This sequence change falls in intron 18 of the POLE gene. It does not directly change the encoded amino acid sequence of the POLE protein. This variant is present in population databases (rs377065635, gnomAD 0.005%). This variant has not been reported in the literature in individuals affected with POLE-related conditions. ClinVar contains an entry for this variant (Variation ID: 1511085). Studies have shown that this variant is associated with inconclusive levels of altered splicing (internal data). In summary, the available evidence is currently insufficient to determine the role of this variant in disease. Therefore, it has been classified as a Variant of Uncertain Significance.